The following is an entry in ClinVar:

NM_018076.5(ODAD2):c.318G>A (p.Gln106=)

Gene: ODAD2 (outer dynein arm docking complex subunit 2; minus strand). Cytogenetic location: 10p12.1.
Variant type: single nucleotide variant.
Coding change: c.318G>A on transcript NM_018076.5 (MANE Select); coding-DNA position 318, G replaced by A.
Protein change: p.Gln106=; no amino-acid change (glutamine 106 retained).
Molecular consequence: synonymous variant.
Genome position (GRCh38, 1-based): chr10:27,987,450, C>T on the plus strand (G>A on the coding strand, the complement: ODAD2 is on the minus strand). VCF-style: chr10-27987450-C-T. GRCh37 (hg19) VCF-style: chr10-28276379-C-T.
Other names: c.318G>A, p.Gln106= (NM_001290020.2).
Identifiers: ClinVar variation 4681436 (VCV004681436.5).
Genomic context (GRCh38, chr10:27,987,450, plus strand): 5'-AACACATGCTTGGGCTTCCTTCAACTTCCCAGTTTTGGCAATAAGTAACAAGCGTGACAG[C>T]TGCCCAAAGCTCCTAATTTTAATTTGTGGTACAGAGAGAAATAGCAAAGGCTGTCCATTT-3'
Protein context (NP_060546.2, residues 96-116): VPQIKIRSFG[Gln106=]LSRLLLIAKT

ClinVar aggregate classification (germline): Likely benign (1 of 4 stars; one submission).

gnomAD v4.1: 4 of 1,614,000 alleles (0.00025%); highest among the groups gnomAD compares: Non-Finnish European, 0.00034%; no homozygotes.

Submission:

CeGaT Center for Human Genetics Tuebingen
Classification: Likely benign. Last evaluated: 2025-12-01. Review status: criteria provided, single submitter. Criteria: CeGaT Center For Human Genetics Tuebingen Variant Classification Criteria Version 2. Collection method: clinical testing. Allele origin: germline. Affected: yes. Observed: 1 variant allele.
Comment: ODAD2: BP4, BP7